The following is an entry in ClinVar:

NM_032607.3(CREB3L3):c.959C>T (p.Thr320Ile)

Gene: CREB3L3 (cAMP responsive element binding protein 3 like 3; plus strand). Cytogenetic location: 19p13.3.
Variant type: single nucleotide variant.
Coding change: c.959C>T on transcript NM_032607.3 (MANE Select); coding-DNA position 959, C replaced by T.
Protein change: p.Thr320Ile; replaces threonine 320 with isoleucine.
Molecular consequence: missense variant. On other transcripts: synonymous variant (1).
Genome position (GRCh38, 1-based): chr19:4,171,159, C>T. VCF-style: chr19-4171159-C-T. GRCh37 (hg19) VCF-style: chr19-4171156-C-T.
Other names: c.956C>T, p.Thr319Ile (NM_001271995.2); c.953C>T, p.Thr318Ile (NM_001271996.2); c.852C>T, p.Asp284= (NM_001271997.2); short protein forms T318I, T319I, T320I.
Identifiers: ClinVar variation 4744311 (VCV004744311.1).

ClinVar aggregate classification (germline): Uncertain significance (1 of 4 stars; one submission).

Submission:

Labcorp Genetics (formerly Invitae), Labcorp
Classification: Uncertain significance. Last evaluated: 2025-05-26. Review status: criteria provided, single submitter. Criteria: Invitae Variant Classification Sherloc (09022015). Collection method: clinical testing. Allele origin: germline.
Comment: This sequence change replaces threonine, which is neutral and polar, with isoleucine, which is neutral and non-polar, at codon 320 of the CREB3L3 protein (p.Thr320Ile). This variant is not present in population databases (gnomAD no frequency). This variant has not been reported in the literature in individuals affected with CREB3L3-related conditions. Invitae Evidence Modeling of protein sequence and biophysical properties (such as structural, functional, and spatial information, amino acid conservation, physicochemical variation, residue mobility, and thermodynamic stability) has been performed for this missense variant. However, the output from this modeling did not meet the statistical confidence thresholds required to predict the impact of this variant on CREB3L3 protein function. In summary, the available evidence is currently insufficient to determine the role of this variant in disease. Therefore, it has been classified as a Variant of Uncertain Significance.